The following is an entry in ClinVar:

ClinVar aggregate classification (germline): Conflicting classifications of pathogenicity. Review status: criteria provided, conflicting classifications (1 of 4 stars). 3 submissions from 3 submitters: Uncertain significance (2); Likely benign (1). Last evaluated 2025-05-15.

Conditions:
Hereditary cancer-predisposing syndrome. Also called: Hereditary Cancer Syndrome; Tumor predisposition; Neoplastic Syndromes, Hereditary; Hereditary neoplastic syndrome. Identifiers: Orphanet 140162, MedGen C0027672, MeSH D009386, MONDO:0015356.
Hereditary breast ovarian cancer syndrome. Also called: Hereditary breast and ovarian cancer syndrome; Hereditary breast and ovarian cancer; Hereditary breast and ovarian cancer syndrome (HBOC); BRCA1- and BRCA2-Associated Hereditary Breast and Ovarian Cancer; Hereditary breast and/or ovarian cancer syndrome; Breast and ovarian cancer. Identifiers: Orphanet 145, MedGen C0677776, MeSH D061325, MONDO:0003582. Disease mechanism: loss of function.

Submissions (3):

Labcorp Genetics (formerly Invitae), Labcorp
Classification: Uncertain significance for Hereditary breast ovarian cancer syndrome. Last evaluated: 2025-05-15. Review status: criteria provided, single submitter. Criteria: Invitae Variant Classification Sherloc (09022015). Collection method: clinical testing. Allele origin: germline.
Comment: This sequence change replaces glycine, which is neutral and non-polar, with arginine, which is basic and polar, at codon 1087 of the BRCA1 protein (p.Gly1087Arg). This variant is not present in population databases (gnomAD no frequency). This variant has not been reported in the literature in individuals affected with BRCA1-related conditions. ClinVar contains an entry for this variant (Variation ID: 1325662). Invitae Evidence Modeling of protein sequence and biophysical properties (such as structural, functional, and spatial information, amino acid conservation, physicochemical variation, residue mobility, and thermodynamic stability) indicates that this missense variant is expected to disrupt BRCA1 protein function with a positive predictive value of 80%. In summary, the available evidence is currently insufficient to determine the role of this variant in disease. Therefore, it has been classified as a Variant of Uncertain Significance.

University of Washington Department of Laboratory Medicine, University of Washington
Classification: Likely benign for Hereditary cancer-predisposing syndrome. Last evaluated: 2023-03-23. Review status: criteria provided, single submitter. Criteria: Dines et al. (Genet Med. 2020). Collection method: curation. Allele origin: germline.
Comment: Missense variant in a coldspot region where missense variants are very unlikely to be pathogenic (PMID:31911673).

BRCA1 coldspot (exon 11 using historical exon numbering). Reclassification based on statistical prior probability

National Health Laboratory Service, Universitas Academic Hospital and University of the Free State
Classification: Uncertain significance for Hereditary breast ovarian cancer syndrome. Last evaluated: 2021-11-16. Review status: criteria provided, single submitter. Criteria: ACMG Guidelines, 2015. Collection method: clinical testing. Allele origin: germline. Affected: yes. Observed: 1 variant allele.

Literature cited by the submitters: DOI 10.3389/fgene.2022.834265 (cited by National Health Laboratory Service, Universitas Academic Hospital and University of the Free State).

NM_007294.4(BRCA1):c.3259G>A (p.Gly1087Arg)

Genes: BRCA1 (BRCA1 DNA repair associated; minus strand), LOC126862571 (BRD4-independent group 4 enhancer GRCh37_chr17:41243136-41244335; plus strand). Cytogenetic location: 17q21.31.
Variant type: single nucleotide variant.
Coding change: c.3259G>A on transcript NM_007294.4 (MANE Select); coding-DNA position 3259, G replaced by A.
Protein change: p.Gly1087Arg; replaces glycine 1087 with arginine.
Molecular consequence: missense variant. On other transcripts: intron variant (137).
Genome position (GRCh38, 1-based): chr17:43,092,272, C>T on the plus strand (G>A on the coding strand, the complement: BRCA1 is on the minus strand). VCF-style: chr17-43092272-C-T. GRCh37 (hg19) VCF-style: chr17-41244289-C-T.
Other names: NP_009225.1:p.Gly1087Arg; c.2878G>A, p.Gly960Arg (NM_001407959.1, NM_001407960.1, NM_001407963.1); c.2875G>A, p.Gly959Arg (NM_001407962.1); c.3115G>A, p.Gly1039Arg (NM_001407964.1, NM_001407740.1, NM_001407741.1 and 20 more transcripts); c.2755G>A, p.Gly919Arg (NM_001407965.1); c.2371G>A, p.Gly791Arg (NM_001407966.1, NM_001407967.1); c.3118G>A, p.Gly1040Arg (NM_007297.4, NM_001407692.1, NM_001407694.1 and 29 more transcripts); c.3259G>A, p.Gly1087Arg (NM_007300.4, NM_001407581.1, NM_001407582.1 and 30 more transcripts); and 42 more; short protein forms G1040R, G1087R, G1061R, G960R, G1019R, G1020R, G919R, G959R.
Identifiers: ClinVar variation 1325662 (VCV001325662.5), dbSNP rs2154334028, ClinGen allele CA10595468.